The following is an entry in ClinVar:

ClinVar aggregate classification (germline): Uncertain significance (1 of 4 stars; one submission).

Conditions:
Autosomal recessive limb-girdle muscular dystrophy type 2W (MDRCMTT). Also called: Muscular dystrophy, limb-girdle, type 2W; Muscular dystrophy, autosomal recessive, with cardiomyopathy and triangular tongue. Identifiers: MedGen C4225192, MONDO:0014788, OMIM 616827.

Allele frequency attached by ClinVar (database versions not stated): TOPMed 0.00001; gnomAD 0.00001.
gnomAD v4.1: 12 of 1,563,192 alleles (0.00077%); highest among the groups gnomAD compares: Non-Finnish European, 0.001%; no homozygotes.

Submission:

Labcorp Genetics (formerly Invitae), Labcorp
Classification: Uncertain significance for Autosomal recessive limb-girdle muscular dystrophy type 2W. Last evaluated: 2023-03-03. Review status: criteria provided, single submitter. Criteria: Invitae Variant Classification Sherloc (09022015). Collection method: clinical testing. Allele origin: germline.
Comment: In summary, the available evidence is currently insufficient to determine the role of this variant in disease. Therefore, it has been classified as a Variant of Uncertain Significance. This sequence change replaces cysteine, which is neutral and slightly polar, with tyrosine, which is neutral and polar, at codon 188 of the LIMS2 protein (p.Cys188Tyr). The frequency data for this variant in the population databases is considered unreliable, as metrics indicate poor data quality at this position in the gnomAD database. This variant has not been reported in the literature in individuals affected with LIMS2-related conditions. ClinVar contains an entry for this variant (Variation ID: 2055864). Advanced modeling of protein sequence and biophysical properties (such as structural, functional, and spatial information, amino acid conservation, physicochemical variation, residue mobility, and thermodynamic stability) performed at Invitae indicates that this missense variant is expected to disrupt LIMS2 protein function.

NM_001161403.3(LIMS2):c.497G>A (p.Cys166Tyr)

Gene: LIMS2 (LIM zinc finger domain containing 2; minus strand). Cytogenetic location: 2q14.3.
Variant type: single nucleotide variant.
Coding change: c.497G>A on transcript NM_001161403.3 (MANE Select); coding-DNA position 497, G replaced by A.
Protein change: p.Cys166Tyr; replaces cysteine 166 with tyrosine.
Molecular consequence: missense variant.
Genome position (GRCh38, 1-based): chr2:127,642,935, C>T on the plus strand (G>A on the coding strand, the complement: LIMS2 is on the minus strand). VCF-style: chr2-127642935-C-T. GRCh37 (hg19) VCF-style: chr2-128400510-C-T.
Other names: c.563G>A, p.Cys188Tyr (NM_001136037.4); c.482G>A, p.Cys161Tyr (NM_001161404.2); c.41G>A, p.Cys14Tyr (NM_001161405.1, NM_001256542.2); c.569G>A, p.Cys190Tyr (NM_017980.5); short protein forms C166Y, C188Y, C190Y, C14Y, C161Y.
Identifiers: ClinVar variation 2055864 (VCV002055864.4), dbSNP rs1363997136, ClinGen allele CA348425669.